The following is an entry in ClinVar:

NM_001130438.3(SPTAN1):c.1462G>A (p.Ala488Thr)

Gene: SPTAN1 (spectrin alpha, non-erythrocytic 1; plus strand). Cytogenetic location: 9q34.11.
Variant type: single nucleotide variant.
Coding change: c.1462G>A on transcript NM_001130438.3 (MANE Select); coding-DNA position 1462, G replaced by A.
Protein change: p.Ala488Thr; replaces alanine 488 with threonine.
Molecular consequence: missense variant.
Genome position (GRCh38, 1-based): chr9:128,581,782, G>A. VCF-style: chr9-128581782-G-A. GRCh37 (hg19) VCF-style: chr9-131344061-G-A.
Other names: c.1462G>A, p.Ala488Thr (NM_001195532.2, NM_001363759.2, NM_001363765.2 and 5 more transcripts); c.1498G>A, p.Ala500Thr (NM_001375312.2, NM_001375318.1); short protein forms A488T, A500T.
Identifiers: ClinVar variation 1393694 (VCV001393694.7), dbSNP rs972504988, ClinGen allele CA200378358.

ClinVar aggregate classification (germline): Uncertain significance (1 of 4 stars; one submission).

Conditions:
Early-infantile DEE. Also called: Early infantile epileptic encephalopathy; Ohtahara syndrome; Early infantile epileptic encephalopathy with suppression bursts. Identifiers: Orphanet 1934, MedGen C0393706, MONDO:0800491.

Allele frequency attached by ClinVar (database versions not stated): gnomAD exomes below 0.00001; gnomAD 0.00001; TOPMed 0.00001.
gnomAD v4.1: 14 of 1,611,778 alleles (0.00087%); highest among the groups gnomAD compares: African/African-American, 0.0013%; no homozygotes.

Submission:

Labcorp Genetics (formerly Invitae), Labcorp
Classification: Uncertain significance for Early-infantile DEE. Last evaluated: 2021-08-23. Review status: criteria provided, single submitter. Criteria: Invitae Variant Classification Sherloc (09022015). Collection method: clinical testing. Allele origin: germline.
Comment: In summary, the available evidence is currently insufficient to determine the role of this variant in disease. Therefore, it has been classified as a Variant of Uncertain Significance. Algorithms developed to predict the effect of sequence changes on RNA splicing suggest that this variant may disrupt the consensus splice site. Algorithms developed to predict the effect of missense changes on protein structure and function are either unavailable or do not agree on the potential impact of this missense change (SIFT: "Deleterious"; PolyPhen-2: "Benign"; Align-GVGD: "Class C55"). This variant has not been reported in the literature in individuals affected with SPTAN1-related conditions. This variant is not present in population databases (ExAC no frequency). This sequence change replaces alanine with threonine at codon 488 of the SPTAN1 protein (p.Ala488Thr). The alanine residue is highly conserved and there is a small physicochemical difference between alanine and threonine.